The following is an entry in ClinVar:

NM_000551.4(VHL):c.492G>A (p.Gln164=)

Genes: VHL (von Hippel-Lindau tumor suppressor; plus strand), LOC107303340 (3p25 von Hippel-Lindau tumor suppressor, E3 ubiquitin protein ligase Alu-mediated recombination region; plus strand). Cytogenetic location: 3p25.3.
Variant type: single nucleotide variant.
Coding change: c.492G>A on transcript NM_000551.4 (MANE Select); coding-DNA position 492, G replaced by A.
Protein change: p.Gln164=; no amino-acid change (glutamine 164 retained).
Molecular consequence: synonymous variant. On other transcripts: 3 prime UTR variant (1), non-coding transcript variant (1).
Genome position (GRCh38, 1-based): chr3:10,149,815, G>A. VCF-style: chr3-10149815-G-A. GRCh37 (hg19) VCF-style: chr3-10191499-G-A.
Other names: c.*46G>A (NM_001354723.2); c.369G>A, p.Gln123= (NM_198156.3).
Identifiers: ClinVar variation 3468031 (VCV003468031.2).

ClinVar aggregate classification (germline): Benign/Likely benign. Review status: criteria provided, multiple submitters, no conflicts (2 of 4 stars). 2 submissions from 2 submitters: Benign (1); Likely benign (1). Last evaluated 2025-06-12.

Conditions:
Von Hippel-Lindau syndrome (VHLS). Also called: VHL syndrome; von Hippel–Lindau syndrome; Von Hippel-Lindau. Identifiers: Orphanet 892, MedGen C0019562, MONDO:0008667, OMIM 193300. Disease mechanism: loss of function.
Hereditary cancer-predisposing syndrome. Also called: Hereditary Cancer Syndrome; Hereditary neoplastic syndrome; Neoplastic Syndromes, Hereditary; Tumor predisposition. Identifiers: Orphanet 140162, MedGen C0027672, MeSH D009386, MONDO:0015356.

Submissions (2):

Myriad Genetics, Inc.
Classification: Benign for Von Hippel-Lindau syndrome. Last evaluated: 2025-06-12. Review status: criteria provided, single submitter. Criteria: Myriad Autosomal Dominant, Autosomal Recessive and X-Linked Classification Criteria (2023). Collection method: clinical testing. Allele origin: unknown.
Comment: This variant is considered benign. This variant is a silent/synonymous amino acid change and it is not expected to impact splicing.

Ambry Genetics
Classification: Likely benign for Hereditary cancer-predisposing syndrome. Last evaluated: 2024-09-16. Review status: criteria provided, single submitter. Criteria: Ambry Variant Classification Scheme 2023. Collection method: clinical testing. Allele origin: germline.